The following is an entry in ClinVar:

ClinVar aggregate classification (germline): Uncertain significance (1 of 4 stars; one submission).

gnomAD v4.1: 2 of 1,614,206 alleles (0.00012%); highest among the groups gnomAD compares: South Asian, 0.0022%; no homozygotes.

Submission:

Labcorp Genetics (formerly Invitae), Labcorp
Classification: Uncertain significance. Last evaluated: 2024-08-10. Review status: criteria provided, single submitter. Criteria: Invitae Variant Classification Sherloc (09022015). Collection method: clinical testing. Allele origin: germline.
Comment: This sequence change replaces serine, which is neutral and polar, with tyrosine, which is neutral and polar, at codon 519 of the PLOD3 protein (p.Ser519Tyr). This variant is not present in population databases (gnomAD no frequency). This variant has not been reported in the literature in individuals affected with PLOD3-related conditions. ClinVar contains an entry for this variant (Variation ID: 2031720). Advanced modeling of protein sequence and biophysical properties (such as structural, functional, and spatial information, amino acid conservation, physicochemical variation, residue mobility, and thermodynamic stability) performed at Invitae indicates that this missense variant is not expected to disrupt PLOD3 protein function with a negative predictive value of 80%. In summary, the available evidence is currently insufficient to determine the role of this variant in disease. Therefore, it has been classified as a Variant of Uncertain Significance.

NM_001084.5(PLOD3):c.1556C>A (p.Ser519Tyr)

Gene: PLOD3 (procollagen-lysine,2-oxoglutarate 5-dioxygenase 3; minus strand). Cytogenetic location: 7q22.1.
Variant type: single nucleotide variant.
Coding change: c.1556C>A on transcript NM_001084.5 (MANE Select); coding-DNA position 1556, C replaced by A.
Protein change: p.Ser519Tyr; replaces serine 519 with tyrosine.
Molecular consequence: missense variant.
Genome position (GRCh38, 1-based): chr7:101,210,389, G>T on the plus strand (C>A on the coding strand, the complement: PLOD3 is on the minus strand). VCF-style: chr7-101210389-G-T. GRCh37 (hg19) VCF-style: chr7-100853670-G-T.
Other names: short protein forms S519Y.
Identifiers: ClinVar variation 2031720 (VCV002031720.4), dbSNP rs1159485050, ClinGen allele CA368614026.